The following is an entry in ClinVar:

NM_005184.4(CALM3):c.281A>C (p.Asp94Ala)

Gene: CALM3 (calmodulin 3; plus strand). Cytogenetic location: 19q13.32.
Variant type: single nucleotide variant.
Coding change: c.281A>C on transcript NM_005184.4 (MANE Select); coding-DNA position 281, A replaced by C.
Protein change: p.Asp94Ala; replaces aspartic acid 94 with alanine.
Molecular consequence: missense variant.
Genome position (GRCh38, 1-based): chr19:46,608,584, A>C. VCF-style: chr19-46608584-A-C. GRCh37 (hg19) VCF-style: chr19-47111841-A-C.
Other names: c.173A>C, p.Asp58Ala (NM_001329921.1, NM_001329923.1, NM_001329924.2 and 2 more transcripts); c.281A>C, p.Asp94Ala (NM_001329922.1); short protein forms D94A, D58A.
Identifiers: ClinVar variation 409871 (VCV000409871.11), dbSNP rs1060502608, ClinGen allele CA16616071.

ClinVar aggregate classification (germline): Pathogenic/Likely pathogenic. Review status: criteria provided, multiple submitters, no conflicts (2 of 4 stars). 2 submissions from 2 submitters: Pathogenic (1); Likely pathogenic (1). Last evaluated 2022-03-18.

Conditions:
Long QT syndrome 1 (LQT1). Identifiers: Orphanet 101016, Orphanet 768, MedGen C4551647, MONDO:0100316, OMIM 192500, MONDO:0008646.

Submissions (2):

Labcorp Genetics (formerly Invitae), Labcorp
Classification: Pathogenic for Long QT syndrome 1. Last evaluated: 2022-03-18. Review status: criteria provided, single submitter. Criteria: Invitae Variant Classification Sherloc (09022015). Collection method: clinical testing. Allele origin: germline.
Comment: For these reasons, this variant has been classified as Pathogenic. Algorithms developed to predict the effect of missense changes on protein structure and function (SIFT, PolyPhen-2, Align-GVGD) all suggest that this variant is likely to be disruptive. ClinVar contains an entry for this variant (Variation ID: 409871). This missense change has been observed in individual(s) with clinical features of CALM3-related conditions (Invitae). In at least one individual the variant was observed to be de novo. This variant is not present in population databases (gnomAD no frequency). This sequence change replaces aspartic acid, which is acidic and polar, with alanine, which is neutral and non-polar, at codon 94 of the CALM3 protein (p.Asp94Ala).

Stanford Center for Inherited Cardiovascular Disease, Stanford University
Classification: Likely pathogenic. Last evaluated: 2018-01-25. Review status: criteria provided, single submitter. Criteria: ACMG Guidelines, 2015. Collection method: provider interpretation. Allele origin: germline.